The following is an entry in ClinVar:

ClinVar aggregate classification (germline): Pathogenic (1 of 4 stars; one submission).

Submission:

Labcorp Genetics (formerly Invitae), Labcorp
Classification: Pathogenic. Last evaluated: 2025-11-27. Review status: criteria provided, single submitter. Criteria: Invitae Variant Classification Sherloc (09022015). Collection method: clinical testing. Allele origin: germline.
Comment: This sequence change creates a premature translational stop signal (p.Trp33*) in the RS1 gene. It is expected to result in an absent or disrupted protein product. Loss-of-function variants in RS1 are known to be pathogenic (PMID: 9618178, 17172462). This variant is not present in population databases (gnomAD no frequency). This premature translational stop signal has been observed in individual(s) with X-linked juvenile retinoschisis (PMID: 30551202, 35456481). For these reasons, this variant has been classified as Pathogenic.

Literature cited by the submitters: PubMed 9618178; PubMed 17172462; PubMed 30551202; PubMed 35456481.

NM_000330.4(RS1):c.99G>A (p.Trp33Ter)

Gene: RS1 (retinoschisin 1; minus strand). Cytogenetic location: Xp22.13.
Variant type: single nucleotide variant.
Coding change: c.99G>A on transcript NM_000330.4 (MANE Select); coding-DNA position 99, G replaced by A.
Protein change: p.Trp33Ter; replaces tryptophan 33 with a stop codon.
Molecular consequence: nonsense.
Genome position (GRCh38, 1-based): chrX:18,656,738, C>T on the plus strand (G>A on the coding strand, the complement: RS1 is on the minus strand). VCF-style: chrX-18656738-C-T. GRCh37 (hg19) VCF-style: chrX-18674858-C-T.
Other names: short protein forms W33*.
Identifiers: ClinVar variation 4750186 (VCV004750186.1).
Genomic context (GRCh38, chrX:18,656,738, plus strand): 5'-ACCTGCAGACCACAGAGCATTGGGTCCTCCTTGGCAATCGCACTTGCATGCTTTTTGGTA[C>T]CAGGGGTCCTCGCCTTCATCCTGCAGCCAACCAGAGAGGCAGGGCAGAAAAGTCACGGTC-3'